The following is an entry in ClinVar:

NM_001034853.2(RPGR):c.2572G>T (p.Gly858Trp)

Gene: RPGR (retinitis pigmentosa GTPase regulator; minus strand). Cytogenetic location: Xp11.4.
Variant type: single nucleotide variant.
Coding change: c.2572G>T on transcript NM_001034853.2 (MANE Select); coding-DNA position 2572, G replaced by T.
Protein change: p.Gly858Trp; replaces glycine 858 with tryptophan.
Molecular consequence: missense variant. On other transcripts: intron variant (8).
Genome position (GRCh38, 1-based): chrX:38,286,427, C>A on the plus strand (G>T on the coding strand, the complement: RPGR is on the minus strand). VCF-style: chrX-38286427-C-A. GRCh37 (hg19) VCF-style: chrX-38145680-C-A.
Other names: c.1569+4532G>T (NM_001367249.1, NM_001367250.1); c.1902+667G>T (NM_001367245.1); c.1386+4532G>T (NM_001367251.1); c.1719+667G>T (NM_001367246.1); c.1572+4532G>T (NM_001367247.1); c.1905+667G>T (NM_000328.3); c.1602+4532G>T (NM_001367248.1); short protein forms G858W.
Identifiers: ClinVar variation 3249049 (VCV003249049.3).

ClinVar aggregate classification (germline): Uncertain significance. Review status: criteria provided, single submitter (1 of 4 stars). 2 submissions from 2 submitters: Uncertain significance (1). 1 of the submissions does not count toward it. Last evaluated 2024-01-25.

Conditions:
Retinal dystrophy. Also called: Inherited retinal dystrophy. Identifiers: Orphanet 71862, MedGen C0854723, MeSH D058499, MONDO:0019118, HP:0000556.
Primary ciliary dyskinesia. Also called: Ciliary dyskinesia. Identifiers: Orphanet 244, MedGen C0008780, MONDO:0016575, HP:0012265.

gnomAD v4.1: 10 of 1,013,337 alleles (0.00099%); highest among the groups gnomAD compares: Non-Finnish European, 0.0013%; no homozygotes.

Submissions (2):

Labcorp Genetics (formerly Invitae), Labcorp
Classification: Uncertain significance for Primary ciliary dyskinesia. Last evaluated: 2024-01-25. Review status: criteria provided, single submitter. Criteria: Invitae Variant Classification Sherloc (09022015). Collection method: clinical testing. Allele origin: germline.
Comment: This sequence change replaces glycine, which is neutral and non-polar, with tryptophan, which is neutral and slightly polar, at codon 858 of the RPGR (ORF15) protein (p.Gly858Trp). This variant is not present in population databases (gnomAD no frequency). This variant has not been reported in the literature in individuals affected with RPGR (ORF15)-related conditions. Advanced modeling of protein sequence and biophysical properties (such as structural, functional, and spatial information, amino acid conservation, physicochemical variation, residue mobility, and thermodynamic stability) performed at Invitae indicates that this missense variant is not expected to disrupt RPGR (ORF15) protein function with a negative predictive value of 95%. In summary, the available evidence is currently insufficient to determine the role of this variant in disease. Therefore, it has been classified as a Variant of Uncertain Significance.

Institute of Human Genetics, Univ. Regensburg, Univ. Regensburg
Classification: Uncertain significance for Retinal dystrophy. Last evaluated: 2021-01-01. Review status: no assertion criteria provided. Criteria: ACMG Guidelines, 2015. Collection method: clinical testing. Allele origin: germline. Affected: yes. Not counted in ClinVar's aggregate classification.